The following is an entry in ClinVar:

ClinVar aggregate classification (germline): Likely pathogenic (1 of 4 stars; one submission).

Conditions:
Usher syndrome type 2A. Also called: RETINAL DISEASE IN USHER SYNDROME TYPE IIA, MODIFIER OF; USHER SYNDROME, TYPE IIA. Identifiers: Orphanet 231178, Orphanet 886, MedGen C1848634, MONDO:0010169, OMIM 276901.

Submission:

Natera, Inc.
Classification: Likely pathogenic for Usher syndrome type 2A. Last evaluated: 2024-11-27. Review status: criteria provided, single submitter. Criteria: Natera Variant Classification Schema (03/2026). Collection method: clinical testing. Allele origin: germline.
Comment: The c.12436C>T variant in USH2A is a nonsense variant predicted to introduce a stop codon at amino acid 4146. This variant is expected to result in nonsense mediated decay, truncation, or a dysfunctional protein product. This variant is rare in the general population with a frequency below the threshold expected for the associated phenotype(s). Given the available evidence, this variant is classified as Likely Pathogenic.

NM_206933.4(USH2A):c.12436C>T (p.Gln4146Ter)

Gene: USH2A (usherin; minus strand). Cytogenetic location: 1q41.
Variant type: single nucleotide variant.
Coding change: c.12436C>T on transcript NM_206933.4 (MANE Select); coding-DNA position 12436, C replaced by T.
Protein change: p.Gln4146Ter; replaces glutamine 4146 with a stop codon.
Molecular consequence: nonsense.
Genome position (GRCh38, 1-based): chr1:215,675,475, G>A on the plus strand (C>T on the coding strand, the complement: USH2A is on the minus strand). VCF-style: chr1-215675475-G-A. GRCh37 (hg19) VCF-style: chr1-215848817-G-A.
Other names: short protein forms Q4146*.
Identifiers: ClinVar variation 4817085 (VCV004817085.1).
Genomic context (GRCh38, chr1:215,675,475, plus strand): 5'-CAGAGTGGACAGTAGGAGCCAGCTGAGAGTCTGGAGGGGCTTCATCTGTCCACAGAGGCT[G>A]AGGCGCCGAGTGTGCACAACCTGCTCTGGTGCAGGCCTCCAGGGTCAGTGTGTAGAGAGT-3'